The following is an entry in ClinVar:

NM_005243.4(EWSR1):c.1418-5_1418-3del

Gene: EWSR1 (EWS RNA binding protein 1; plus strand). Cytogenetic location: 22q12.2.
Variant type: Microsatellite.
Coding change: c.1418-5_1418-3del on transcript NM_005243.4 (MANE Select); 5 bases into the intron before coding-DNA position 1418 through 3 bases into the intron before coding-DNA position 1418, 3 bases deleted (TGT; older notation c.1418-5_1418-3delTGT).
Molecular consequence: intron variant.
Genome position (GRCh38, 1-based): chr22:29,298,728-29,298,730, TGT deleted; deleting any 3 consecutive bases within chr22:29,298,724-29,298,730 gives the same sequence; the c. name uses the placement nearest the transcript's 3' end. VCF-style (leftmost placement, unchanged base first): chr22-29298723-CTTG-C. GRCh37 (hg19) VCF-style: chr22-29694713-CTTG-C.
Other names: c.1433-5_1433-3del (NM_013986.4); c.1415-5_1415-3del (NM_001163285.2); c.1250-5_1250-3del (NM_001163286.2).
Identifiers: ClinVar variation 3032662 (VCV003032662.2), dbSNP rs781122369, ClinGen allele CA10171765.
Genomic context (GRCh38, chr22:29,298,723, plus strand): 5'-TTTTTATTTCCTATAGCAAATTTGGTGCTACAGAGAAATGATTTGCTGTTTCTTGTTGTT[CTTG>C]TTGTAGGTCCAGGAGGCCCAGGAGGTCCTGGGGGACCCATGGGTCGCATGGGAGGCCGTG-3'

ClinVar aggregate classification (germline): Likely benign (0 of 4 stars; one submission).

Conditions:
EWSR1-related disorder. Also called: EWSR1-related condition.

Submission:

PreventionGenetics, part of Exact Sciences
Classification: Likely benign for EWSR1-related condition. Last evaluated: 2022-02-17. Review status: no assertion criteria provided. Collection method: clinical testing. Allele origin: germline.
Comment: This variant is classified as likely benign based on ACMG/AMP sequence variant interpretation guidelines (Richards et al. 2015 PMID: 25741868, with internal and published modifications).